The following is an entry in ClinVar:

NM_024642.5(GALNT12):c.1638A>G (p.Lys546=)

Gene: GALNT12 (polypeptide N-acetylgalactosaminyltransferase 12; plus strand). Cytogenetic location: 9q22.33.
Variant type: single nucleotide variant.
Coding change: c.1638A>G on transcript NM_024642.5 (MANE Select); coding-DNA position 1638, A replaced by G.
Protein change: p.Lys546=; no amino-acid change (lysine 546 retained).
Molecular consequence: synonymous variant.
Genome position (GRCh38, 1-based): chr9:98,848,984, A>G. VCF-style: chr9-98848984-A-G. GRCh37 (hg19) VCF-style: chr9-101611266-A-G.
Identifiers: ClinVar variation 410593 (VCV000410593.18), dbSNP rs771643059, ClinGen allele CA5154333.
Genomic context (GRCh38, chr9:98,848,984, plus strand): 5'-TTGCCTGTCATTCTGTTATCTTTTGTAGGATGGATCTTTATTTCACGAACAGTCCAAGAA[A>G]TGTGTCCAGGCTGCGAGGAAGGAGTCGAGTGACAGTTTCGTTCCACTCTTACGAGACTGC-3'
Protein context (NP_078918.3, residues 536-556): DGSLFHEQSK[Lys546=]CVQAARKESS

ClinVar aggregate classification (germline): Conflicting classifications of pathogenicity. Review status: criteria provided, conflicting classifications (1 of 4 stars). 4 submissions from 4 submitters: Uncertain significance (1); Benign (1); Likely benign (2). Last evaluated 2026-04-27.

Conditions:
Colorectal cancer, susceptibility to, 1. Also called: COLORECTAL ADENOMA AND CANCER, SUSCEPTIBILITY TO; COLORECTAL CANCER, SUSCEPTIBILITY TO, ON CHROMOSOME 9. Identifiers: MedGen C1837315, MONDO:0012132, OMIM 608812.

Allele frequency attached by ClinVar (database versions not stated): gnomAD 0.00001; ExAC 0.00002; gnomAD exomes 0.00001 and 0.00002; TOPMed 0.00001.

Submissions (4):

Myriad Genetics, Inc.
Classification: Benign for Colorectal cancer, susceptibility to, 1. Last evaluated: 2026-04-27. Review status: criteria provided, single submitter. Criteria: Myriad Autosomal Dominant, Autosomal Recessive and X-Linked Classification Criteria (2023). Collection method: clinical testing. Allele origin: unknown.
Comment: This variant is considered benign. This variant is a silent/synonymous amino acid change and it is not expected to impact splicing.

Quest Diagnostics Nichols Institute San Juan Capistrano
Classification: Uncertain significance. Last evaluated: 2023-11-16. Review status: criteria provided, single submitter. Criteria: Quest Diagnostics criteria. Collection method: clinical testing. Allele origin: unknown.

Labcorp Genetics (formerly Invitae), Labcorp
Classification: Likely benign. Last evaluated: 2023-02-09. Review status: criteria provided, single submitter. Criteria: Invitae Variant Classification Sherloc (09022015). Collection method: clinical testing. Allele origin: germline.

Ambry Genetics
Classification: Likely benign. Last evaluated: 2021-01-25. Review status: criteria provided, single submitter. Criteria: Ambry Variant Classification Scheme 2023. Collection method: clinical testing. Allele origin: germline.